The following is an entry in ClinVar:

NM_000051.4(ATM):c.97C>T (p.Leu33=)

Gene: ATM (ATM serine/threonine kinase; plus strand). Cytogenetic location: 11q22.3.
Variant type: single nucleotide variant.
Coding change: c.97C>T on transcript NM_000051.4 (MANE Select); coding-DNA position 97, C replaced by T.
Protein change: p.Leu33=; no amino-acid change (leucine 33 retained).
Molecular consequence: synonymous variant.
Genome position (GRCh38, 1-based): chr11:108,227,800, C>T. VCF-style: chr11-108227800-C-T. GRCh37 (hg19) VCF-style: chr11-108098527-C-T.
Other names: c.97C>T, p.Leu33= (NM_001351834.2, NM_001351835.2, NM_001351836.2).
Identifiers: ClinVar variation 386589 (VCV000386589.22), dbSNP rs1057522542, ClinGen allele CA16605752.
Genomic context (GRCh38, chr11:108,227,800, plus strand): 5'-ATTAGTAACCCATTATTATTTCCTTTTTATTTTCAGAAAGAAGTTGAGAAATTTAAGCGC[C>T]TGATTCGAGATCCTGAAACAATTAAACATCTAGATCGGCATTCAGATTCCAAACAAGGAA-3'
Protein context (NP_000042.3, residues 23-43): RKKEVEKFKR[Leu33=]IRDPETIKHL

ClinVar aggregate classification (germline): Benign/Likely benign. Review status: criteria provided, multiple submitters, no conflicts (2 of 4 stars). 7 submissions from 7 submitters: Benign (1); Likely benign (6). Last evaluated 2025-12-29.

Conditions:
Hereditary cancer-predisposing syndrome. Also called: Neoplastic Syndromes, Hereditary; Hereditary neoplastic syndrome; Tumor predisposition; Hereditary Cancer Syndrome. Identifiers: Orphanet 140162, MedGen C0027672, MeSH D009386, MONDO:0015356.
Familial cancer of breast. Also called: BREAST CANCER, FAMILIAL; hereditary breast carcinoma; Hereditary breast cancer. Identifiers: Orphanet 227535, MedGen C0346153, MONDO:0016419, OMIM 114480. Disease mechanism: loss of function.
Ataxia-telangiectasia syndrome (AT). Also called: AT, COMPLEMENTATION GROUP C; ATAXIA-TELANGIECTASIA, COMPLEMENTATION GROUP A; ATAXIA-TELANGIECTASIA, FRESNO VARIANT; LOUIS-BAR SYNDROME; Ataxia-telangiectasia; Cerebello-oculocutaneous telangiectasia. Identifiers: Orphanet 100, MedGen C0004135, MONDO:0008840, OMIM 208900.

Allele frequency attached by ClinVar (database versions not stated): gnomAD exomes below 0.00001; TOPMed below 0.00001; gnomAD 0.00001.
gnomAD v4.1: 2 of 1,613,518 alleles (0.00012%); highest among the groups gnomAD compares: Middle Eastern, 0.017%; no homozygotes.

Submissions (7):

Center for Genomic Medicine, Rigshospitalet, Copenhagen University Hospital
Classification: Likely benign. Last evaluated: 2025-12-29. Review status: criteria provided, single submitter. Criteria: ACMG Guidelines, 2015. Collection method: clinical testing. Allele origin: germline.
Comment: Classification criteria: BP4, BP7

Labcorp Genetics (formerly Invitae), Labcorp
Classification: Likely benign for Ataxia-telangiectasia syndrome. Last evaluated: 2025-11-17. Review status: criteria provided, single submitter. Criteria: Invitae Variant Classification Sherloc (09022015). Collection method: clinical testing. Allele origin: germline.

Myriad Genetics, Inc.
Classification: Benign for Familial cancer of breast. Last evaluated: 2024-04-17. Review status: criteria provided, single submitter. Criteria: Myriad Autosomal Dominant, Autosomal Recessive and X-Linked Classification Criteria (2023). Collection method: clinical testing. Allele origin: unknown.
Comment: This variant is considered benign. This variant is a silent/synonymous amino acid change and it is not expected to impact splicing.

Women's Health and Genetics/Laboratory Corporation of America, LabCorp
Classification: Likely benign. Last evaluated: 2019-09-20. Review status: criteria provided, single submitter. Criteria: LabCorp Variant Classification Summary - May 2015. Collection method: clinical testing. Allele origin: germline.

GeneDx
Classification: Likely benign. Last evaluated: 2019-01-03. Review status: criteria provided, single submitter. Criteria: GeneDx Variant Classification Process June 2021. Collection method: clinical testing. Allele origin: germline. Affected: yes.

Color Diagnostics, LLC DBA Color Health
Classification: Likely benign for Hereditary cancer-predisposing syndrome. Last evaluated: 2018-01-18. Review status: criteria provided, single submitter. Criteria: ACMG Guidelines, 2015. Collection method: clinical testing. Allele origin: germline.

Ambry Genetics
Classification: Likely benign for Hereditary cancer-predisposing syndrome. Last evaluated: 2018-01-09. Review status: criteria provided, single submitter. Criteria: Ambry Variant Classification Scheme 2023. Collection method: clinical testing. Allele origin: germline.